The following is an entry in ClinVar:

ClinVar aggregate classification (germline): Uncertain significance. Review status: criteria provided, multiple submitters, no conflicts (2 of 4 stars). 3 submissions from 3 submitters: Uncertain significance (3). Last evaluated 2025-09-01.

Conditions:
Inborn genetic diseases. Identifiers: MedGen C0950123, MeSH D030342.

Allele frequency attached by ClinVar (database versions not stated): gnomAD exomes below 0.00001; ExAC 0.00002; gnomAD 0.00004; TOPMed 0.00004.
gnomAD v4.1: 10 of 1,554,416 alleles (0.00064%); highest among the groups gnomAD compares: African/African-American, 0.011%; no homozygotes.

Submissions (3):

Ambry Genetics
Classification: Uncertain significance for Inborn genetic diseases. Last evaluated: 2025-09-01. Review status: criteria provided, single submitter. Criteria: Ambry Variant Classification Scheme 2023. Collection method: clinical testing. Allele origin: germline.

GeneDx
Classification: Uncertain significance. Last evaluated: 2025-07-23. Review status: criteria provided, single submitter. Criteria: GeneDx Variant Classification Process June 2021. Collection method: clinical testing. Allele origin: germline. Affected: yes.
Comment: In silico analysis supports that this missense variant has a deleterious effect on protein structure/function; Has not been previously published as pathogenic or benign to our knowledge

Labcorp Genetics (formerly Invitae), Labcorp
Classification: Uncertain significance. Last evaluated: 2021-02-25. Review status: criteria provided, single submitter. Criteria: Invitae Variant Classification Sherloc (09022015). Collection method: clinical testing. Allele origin: germline.
Comment: This sequence change replaces proline with threonine at codon 1798 of the OTOGL protein (p.Pro1798Thr). The proline residue is highly conserved and there is a small physicochemical difference between proline and threonine. This variant is present in population databases (rs751445286, ExAC 0.02%). In summary, the available evidence is currently insufficient to determine the role of this variant in disease. Therefore, it has been classified as a Variant of Uncertain Significance. Algorithms developed to predict the effect of missense changes on protein structure and function are either unavailable or do not agree on the potential impact of this missense change (SIFT: "Deleterious"; PolyPhen-2: "Probably Damaging"; Align-GVGD: "Class C0"). This variant has not been reported in the literature in individuals with OTOGL-related conditions.

NM_001378609.3(OTOGL):c.5419C>A (p.Pro1807Thr)

Gene: OTOGL (otogelin like; plus strand). Cytogenetic location: 12q21.31.
Variant type: single nucleotide variant.
Coding change: c.5419C>A on transcript NM_001378609.3 (MANE Select); coding-DNA position 5419, C replaced by A.
Protein change: p.Pro1807Thr; replaces proline 1807 with threonine.
Molecular consequence: missense variant.
Genome position (GRCh38, 1-based): chr12:80,353,336, C>A. VCF-style: chr12-80353336-C-A. GRCh37 (hg19) VCF-style: chr12-80747116-C-A.
Other names: c.5392C>A (NM_173591.3); c.5284C>A, p.Pro1762Thr (NM_001368062.3); c.5419C>A, p.Pro1807Thr (NM_001378610.3, NM_173591.7); short protein forms P1807T, P1762T.
Identifiers: ClinVar variation 1378649 (VCV001378649.11), dbSNP rs751445286, ClinGen allele CA6701708.